The following is an entry in ClinVar:

NM_000264.5(PTCH1):c.1241A>G (p.Asn414Ser)

Gene: PTCH1 (patched 1; minus strand). Cytogenetic location: 9q22.32.
Variant type: single nucleotide variant.
Coding change: c.1241A>G on transcript NM_000264.5 (MANE Select); coding-DNA position 1241, A replaced by G.
Protein change: p.Asn414Ser; replaces asparagine 414 with serine.
Molecular consequence: missense variant. On other transcripts: non-coding transcript variant (1).
Genome position (GRCh38, 1-based): chr9:95,478,161, T>C on the plus strand (A>G on the coding strand, the complement: PTCH1 is on the minus strand). VCF-style: chr9-95478161-T-C. GRCh37 (hg19) VCF-style: chr9-98240443-T-C.
Other names: c.1043A>G, p.Asn348Ser (NM_001083602.3); c.1238A>G, p.Asn413Ser (NM_001083603.3); c.788A>G, p.Asn263Ser (NM_001083604.3, NM_001083605.3, NM_001083606.3 and 1 more transcripts); c.1241A>G, p.Asn414Ser (NM_001354918.2); short protein forms N348S, N263S, N413S, N414S.
Identifiers: ClinVar variation 1467026 (VCV001467026.6), dbSNP rs2118338120, ClinGen allele CA374118921.

ClinVar aggregate classification (germline): Uncertain significance (1 of 4 stars; one submission).

Conditions:
Gorlin syndrome. Also called: Nevoid Basal Cell Carcinoma Syndrome; Basal cell nevus syndrome. Identifiers: Orphanet 377, MedGen C0004779, MONDO:0007187.

Allele frequency attached by ClinVar (database versions not stated): gnomAD exomes below 0.00001.

Submission:

Labcorp Genetics (formerly Invitae), Labcorp
Classification: Uncertain significance for Gorlin syndrome. Last evaluated: 2024-09-06. Review status: criteria provided, single submitter. Criteria: Invitae Variant Classification Sherloc (09022015). Collection method: clinical testing. Allele origin: germline.
Comment: This sequence change replaces asparagine, which is neutral and polar, with serine, which is neutral and polar, at codon 414 of the PTCH1 protein (p.Asn414Ser). This variant is not present in population databases (gnomAD no frequency). This variant has not been reported in the literature in individuals affected with PTCH1-related conditions. ClinVar contains an entry for this variant (Variation ID: 1467026). Invitae Evidence Modeling of protein sequence and biophysical properties (such as structural, functional, and spatial information, amino acid conservation, physicochemical variation, residue mobility, and thermodynamic stability) indicates that this missense variant is not expected to disrupt PTCH1 protein function with a negative predictive value of 95%. In summary, the available evidence is currently insufficient to determine the role of this variant in disease. Therefore, it has been classified as a Variant of Uncertain Significance.